The following is an entry in ClinVar:

ClinVar aggregate classification (germline): Uncertain significance (1 of 4 stars; one submission).

Submission:

Ambry Genetics
Classification: Uncertain significance. Last evaluated: 2022-09-12. Review status: criteria provided, single submitter. Criteria: Ambry Variant Classification Scheme 2023. Collection method: clinical testing. Allele origin: germline.
Comment: The c.833delG variant, located in coding exon 4 of the GALNT12 gene, results from a deletion of one nucleotide at nucleotide position 833, causing a translational frameshift with a predicted alternate stop codon (p.G278Vfs*40). This alteration is expected to result in premature protein truncation or nonsense-mediated mRNA decay. However, the evidence for this gene-disease relationship is limited; therefore, the clinical significance of this alteration is unclear.

NM_024642.5(GALNT12):c.833del (p.Gly278fs)

Gene: GALNT12 (polypeptide N-acetylgalactosaminyltransferase 12; plus strand). Cytogenetic location: 9q22.33.
Variant type: Deletion.
Coding change: c.833del on transcript NM_024642.5 (MANE Select); coding-DNA position 833, one base deleted (G; older notation c.833delG).
Protein change: p.Gly278fs; shifts the reading frame from glycine 278.
Molecular consequence: frameshift variant.
Genome position (GRCh38, 1-based): chr9:98,831,873, G deleted; the last of 2 consecutive G bases (chr9:98,831,872-98,831,873); deleting either gives the same sequence. VCF-style (leftmost placement, unchanged base first): chr9-98831871-CG-C. GRCh37 (hg19) VCF-style: chr9-101594153-CG-C.
Other names: short protein forms G278fs.
Identifiers: ClinVar variation 1762989 (VCV001762989.2), dbSNP rs373000591, ClinGen allele CA2580080822.